The following is an entry in ClinVar:

ClinVar aggregate classification (germline): Conflicting classifications of pathogenicity. Review status: criteria provided, conflicting classifications (1 of 4 stars). 4 submissions from 4 submitters: Uncertain significance (1); Likely benign (2). 1 of the submissions does not count toward it. Last evaluated 2025-02-24.

Conditions:
NPC2-related disorder. Also called: NPC2-related condition.
Inborn genetic diseases. Identifiers: MedGen C0950123, MeSH D030342.
Niemann-Pick disease, type C2 (NPC2). Identifiers: Orphanet 646, MedGen C1843366, MONDO:0011873, OMIM 607625.

Allele frequency attached by ClinVar (database versions not stated): gnomAD exomes 0.00002; gnomAD 0.00003 and 0.00005; TOPMed 0.00005.
gnomAD v4.1: 12 of 1,614,048 alleles (0.00074%); highest among the groups gnomAD compares: African/African-American, 0.012%; no homozygotes.

Submissions (4):

Labcorp Genetics (formerly Invitae), Labcorp
Classification: Likely benign for Niemann-Pick disease, type C2. Last evaluated: 2025-02-24. Review status: criteria provided, single submitter. Criteria: Invitae Variant Classification Sherloc (09022015). Collection method: clinical testing. Allele origin: germline.

Ambry Genetics
Classification: Likely benign for Inborn genetic diseases. Last evaluated: 2024-06-22. Review status: criteria provided, single submitter. Criteria: Ambry Variant Classification Scheme 2023. Collection method: clinical testing. Allele origin: germline.

Eurofins Ntd Llc (ga)
Classification: Uncertain significance. Last evaluated: 2016-09-27. Review status: criteria provided, single submitter. Criteria: EGL Classification Definitions 2015. Collection method: clinical testing. Allele origin: germline. Observed: 1 variant allele, 1 heterozygote.

PreventionGenetics, part of Exact Sciences
Classification: Likely benign for NPC2-related condition. Last evaluated: 2022-06-24. Review status: no assertion criteria provided. Collection method: clinical testing. Allele origin: germline. Not counted in ClinVar's aggregate classification.
Comment: This variant is classified as likely benign based on ACMG/AMP sequence variant interpretation guidelines (Richards et al. 2015 PMID: 25741868, with internal and published modifications).

NM_006432.5(NPC2):c.264T>C (p.Pro88=)

Gene: NPC2 (NPC intracellular cholesterol transporter 2; minus strand). Cytogenetic location: 14q24.3.
Variant type: single nucleotide variant.
Coding change: c.264T>C on transcript NM_006432.5 (MANE Select); coding-DNA position 264, T replaced by C.
Protein change: p.Pro88=; no amino-acid change (proline 88 retained).
Molecular consequence: synonymous variant.
Genome position (GRCh38, 1-based): chr14:74,484,514, A>G on the plus strand (T>C on the coding strand, the complement: NPC2 is on the minus strand). VCF-style: chr14-74484514-A-G. GRCh37 (hg19) VCF-style: chr14-74951217-A-G.
Other names: c.264T>C, p.Pro88= (NM_001363688.1, NM_001375440.1); c.264T>C (NM_006432.3).
Identifiers: ClinVar variation 497617 (VCV000497617.16), dbSNP rs1011669605, ClinGen allele CA263660929.